The following is an entry in ClinVar:

NM_004999.4(MYO6):c.2762A>G (p.Glu921Gly)

Gene: MYO6 (myosin VI; plus strand). Cytogenetic location: 6q14.1.
Variant type: single nucleotide variant.
Coding change: c.2762A>G on transcript NM_004999.4 (MANE Select); coding-DNA position 2762, A replaced by G.
Protein change: p.Glu921Gly; replaces glutamic acid 921 with glycine.
Molecular consequence: missense variant. On other transcripts: non-coding transcript variant (1).
Genome position (GRCh38, 1-based): chr6:75,890,160, A>G. VCF-style: chr6-75890160-A-G. GRCh37 (hg19) VCF-style: chr6-76599877-A-G.
Other names: c.2762A>G, p.Glu921Gly (NM_001300899.2, NM_001368136.1, NM_001368137.1 and 2 more transcripts); c.2747A>G, p.Glu916Gly (NM_001368138.1); short protein forms E916G, E921G.
Identifiers: ClinVar variation 2788457 (VCV002788457.3), dbSNP rs2535586718, ClinGen allele CA364776829.

ClinVar aggregate classification (germline): Uncertain significance (1 of 4 stars; one submission).

Submission:

Labcorp Genetics (formerly Invitae), Labcorp
Classification: Uncertain significance. Last evaluated: 2025-08-18. Review status: criteria provided, single submitter. Criteria: Invitae Variant Classification Sherloc (09022015). Collection method: clinical testing. Allele origin: germline.
Comment: This sequence change replaces glutamic acid, which is acidic and polar, with glycine, which is neutral and non-polar, at codon 921 of the MYO6 protein (p.Glu921Gly). This variant is not present in population databases (gnomAD no frequency). This variant has not been reported in the literature in individuals affected with MYO6-related conditions. ClinVar contains an entry for this variant (Variation ID: 2788457). Invitae Evidence Modeling of protein sequence and biophysical properties (such as structural, functional, and spatial information, amino acid conservation, physicochemical variation, residue mobility, and thermodynamic stability) indicates that this missense variant is not expected to disrupt MYO6 protein function with a negative predictive value of 80%. In summary, the available evidence is currently insufficient to determine the role of this variant in disease. Therefore, it has been classified as a Variant of Uncertain Significance.